The following is an entry in ClinVar:

NM_000152.5(GAA):c.1847dup (p.Asp616fs)

Gene: GAA (alpha glucosidase; plus strand). Cytogenetic location: 17q25.3.
Variant type: Duplication.
Coding change: c.1847dup on transcript NM_000152.5 (MANE Select); coding-DNA position 1847, one base duplicated (A; older notation c.1847dupA).
Protein change: p.Asp616fs; shifts the reading frame from aspartic acid 616.
Molecular consequence: frameshift variant.
Genome position (GRCh38, 1-based): chr17:80,112,670, A duplicated. VCF-style (leftmost placement, unchanged base first): chr17-80112669-G-GA. GRCh37 (hg19) VCF-style: chr17-78086468-G-GA.
Other names: c.1847dupA (NM_000152.5); c.1847dup, p.Asp616fs (NM_001079803.3, NM_001079804.3); short protein forms D616fs.
Identifiers: ClinVar variation 693996 (VCV000693996.13), dbSNP rs1475559733, ClinGen allele CA628018362.

ClinVar aggregate classification (germline): Likely pathogenic. Review status: reviewed by expert panel (3 of 4 stars). 5 submissions from 5 submitters: Likely pathogenic (1). 4 of the submissions do not count toward it. Last evaluated 2026-04-09.

Conditions:
Glycogen storage disease, type II (IOPD). Also called: CARDIOMEGALIA GLYCOGENICA DIFFUSA; POMPE DISEASE, INFANTILE-ONSET; GLYCOGEN STORAGE DISEASE II, INFANTILE-ONSET; ACID ALPHA-GLUCOSIDASE DEFICIENCY, INFANTILE-ONSET; GAA DEFICIENCY, INFANTILE-ONSET; ACID MALTASE DEFICIENCY, INFANTILE-ONSET. Identifiers: Orphanet 365, MedGen C0017921, MONDO:0009290, OMIM 232300.

Allele frequency attached by ClinVar (database versions not stated): gnomAD exomes below 0.00001.

Submissions (5):

ClinGen Lysosomal Storage Disorder Variant Curation Expert Panel
Classification: Likely pathogenic for Glycogen storage disease, type II. Last evaluated: 2026-04-09. Review status: reviewed by expert panel. Criteria: clingen_lsd_acmg_specifications_v2-1. Collection method: curation. Allele origin: germline. Inheritance: Autosomal recessive inheritance.
Comment: The NM_000152.5:c.1847dup (p.Asp616GlufsTer20) variant in GAA is a frameshift variant predicted to cause a premature stop codon in exon 14 out of a total of 20 exons, leading to nonsense mediated decay in a gene in which loss-of-function is an established disease mechanism (PVS1). The highest population minor allele frequency in gnomAD v4.1.0. is 0.000003391 (4/1179640 alleles) in the European non-Finnish population, which is lower than the ClinGen LD VCEP's threshold (<0.001) for PM2_Supporting, meeting this criterion (PM2_Supporting). However, no clinical or laboratory information about the patient, such symptoms, residual GAA activity, or second variant, were provided (PM3_Not Met, PP4_Not Met). There is a ClinVar entry for this variant (Variation ID: 693996). In summary, this variant meets the criteria to be classified as likely pathogenic for Pompe disease. The classification of this variant has been upgraded from Variant of Uncertain Significance to Likely Pathogenic based on the recommendations of the ClinGen Sequence Variant Interpretation Working Group, that a variant meeting PVS1 and PM2_Supporting is classified as Likely Pathogenic GAA-specific ACMG/AMP criteria applied, as specified by the ClinGen Lysosomal Diseases VCEP (Specifications Version 2.0): PVS1, PM2_Supporting. (Classification approved by the ClinGen Lysosomal Diseases VCEP on April 9, 2026)

Genomenon, Inc
Classification: Likely pathogenic for Glycogen storage disease, type II. Last evaluated: 2026-07-01. Review status: criteria provided, single submitter. Criteria: Genomenon Sequence Variant Interpretation Standards - Updated. Collection method: curation. Allele origin: germline. Affected: no. Not counted in ClinVar's aggregate classification.
Comment: GAA p.Asp616GlufsTer20 (c.1847dup) is a frameshift variant that is predicted to introduce a premature termination codon and result in a truncated or absent protein product. This variant has been reported in the published literature (PMID:30155607;31342611). It is absent or not present at a significant frequency in gnomAD. In conclusion, we classify GAA p.Asp616GlufsTer20 (c.1847dup) as a likely pathogenic variant.

Women's Health and Genetics/Laboratory Corporation of America, LabCorp
Classification: Pathogenic for Glycogen storage disease, type II. Last evaluated: 2025-01-07. Review status: criteria provided, single submitter. Criteria: LabCorp Variant Classification Summary - May 2015. Collection method: clinical testing. Allele origin: germline. Not counted in ClinVar's aggregate classification.
Comment: Variant summary: GAA c.1847dupA (p.Asp616GlufsX20) results in a premature termination codon, predicted to cause a truncation of the encoded protein or absence of the protein due to nonsense mediated decay, which are commonly known mechanisms for disease. The variant allele was found at a frequency of 4.1e-06 in 243390 control chromosomes. c.1847dupA has been reported in the literature in individuals affected with Glycogen Storage Disease (example: Semplicini_2018). These data indicate that the variant may be associated with disease. To our knowledge, no experimental evidence demonstrating an impact on protein function has been reported. The following publications have been ascertained in the context of this evaluation (PMID: 31342611, 30155607). ClinVar contains an entry for this variant (Variation ID: 693996). Based on the evidence outlined above, the variant was classified as pathogenic.

Labcorp Genetics (formerly Invitae), Labcorp
Classification: Pathogenic for Glycogen storage disease, type II. Last evaluated: 2023-08-25. Review status: criteria provided, single submitter. Criteria: Invitae Variant Classification Sherloc (09022015). Collection method: clinical testing. Allele origin: germline. Not counted in ClinVar's aggregate classification.
Comment: This sequence change creates a premature translational stop signal (p.Asp616Glufs*20) in the GAA gene. It is expected to result in an absent or disrupted protein product. Loss-of-function variants in GAA are known to be pathogenic (PMID: 18425781, 22252923). This variant is present in population databases (no rsID available, gnomAD 0.0009%). This premature translational stop signal has been observed in individual(s) with Pompe disease (PMID: 30155607). ClinVar contains an entry for this variant (Variation ID: 693996). For these reasons, this variant has been classified as Pathogenic.

NxGen MDx
Classification: Likely pathogenic for Glycogen storage disease, type II. Last evaluated: 2019-10-03. Review status: criteria provided, single submitter. Criteria: ACMG Guidelines, 2015. Collection method: clinical testing. Allele origin: germline. Affected: no. Not counted in ClinVar's aggregate classification.
Comment: The variant c.1847dupA is expected to result in a framshift (p.Asp616GlufsTer20) and therefore loss of GAA protein function due to truncation or nonsense-mediated decay.

Literature cited by the submitters: PubMed 30155607 (cited by 3 submitters); PubMed 31342611 (cited by Genomenon, Inc and Women's Health and Genetics/Laboratory Corporation of America, LabCorp); PubMed 18425781 (cited by Labcorp Genetics (formerly Invitae), Labcorp); PubMed 22252923 (cited by Labcorp Genetics (formerly Invitae), Labcorp).